The following is an entry in ClinVar:

ClinVar aggregate classification (germline): Uncertain significance (1 of 4 stars; one submission).

Submission:

Labcorp Genetics (formerly Invitae), Labcorp
Classification: Uncertain significance. Last evaluated: 2021-03-10. Review status: criteria provided, single submitter. Criteria: Invitae Variant Classification Sherloc (09022015). Collection method: clinical testing. Allele origin: germline.
Comment: In summary, the available evidence is currently insufficient to determine the role of this variant in disease. Therefore, it has been classified as a Variant of Uncertain Significance. Algorithms developed to predict the effect of missense changes on protein structure and function output the following: SIFT: "Tolerated"; PolyPhen-2: "Benign"; Align-GVGD: "Class C0". The leucine amino acid residue is found in multiple mammalian species, suggesting that this missense change does not adversely affect protein function. These predictions have not been confirmed by published functional studies and their clinical significance is uncertain. This variant has been observed in individual(s) with clinical features of spinocerebellar ataxia (Invitae). This variant is not present in population databases (ExAC no frequency). This sequence change replaces proline with leucine at codon 1024 of the GRM1 protein (p.Pro1024Leu). The proline residue is moderately conserved and there is a moderate physicochemical difference between proline and leucine.

NM_001278064.2(GRM1):c.3071C>T (p.Pro1024Leu)

Gene: GRM1 (glutamate metabotropic receptor 1; plus strand). Cytogenetic location: 6q24.3.
Variant type: single nucleotide variant.
Coding change: c.3071C>T on transcript NM_001278064.2 (MANE Select); coding-DNA position 3071, C replaced by T.
Protein change: p.Pro1024Leu; replaces proline 1024 with leucine.
Molecular consequence: missense variant. On other transcripts: 3 prime UTR variant (3).
Genome position (GRCh38, 1-based): chr6:146,434,282, C>T. VCF-style: chr6-146434282-C-T. GRCh37 (hg19) VCF-style: chr6-146755418-C-T.
Other names: c.*435C>T (NM_001278065.2); c.*400C>T (NM_001278066.1); c.*309C>T (NM_001278067.1); short protein forms P1024L.
Identifiers: ClinVar variation 1515816 (VCV001515816.6), dbSNP rs2114699274, ClinGen allele CA366192981.